The following is an entry in ClinVar:

ClinVar aggregate classification (germline): Pathogenic (1 of 4 stars; one submission).

Submission:

Labcorp Genetics (formerly Invitae), Labcorp
Classification: Pathogenic. Last evaluated: 2024-06-30. Review status: criteria provided, single submitter. Criteria: Invitae Variant Classification Sherloc (09022015). Collection method: clinical testing. Allele origin: germline.
Comment: This sequence change creates a premature translational stop signal (p.Pro803Leufs*5) in the PDZD7 gene. It is expected to result in an absent or disrupted protein product. Loss-of-function variants in PDZD7 are known to be pathogenic (PMID: 20440071). This variant is not present in population databases (gnomAD no frequency). This variant has not been reported in the literature in individuals affected with PDZD7-related conditions. For these reasons, this variant has been classified as Pathogenic.

Literature cited by the submitters: PubMed 20440071.

NM_001195263.2(PDZD7):c.2408del (p.Pro803fs)

Gene: PDZD7 (PDZ domain containing 7; minus strand). Cytogenetic location: 10q24.31.
Variant type: Deletion.
Coding change: c.2408del on transcript NM_001195263.2 (MANE Select); coding-DNA position 2408, one base deleted (C; older notation c.2408delC).
Protein change: p.Pro803fs; shifts the reading frame from proline 803.
Molecular consequence: frameshift variant.
Genome position (GRCh38, 1-based): chr10:101,010,481, G deleted on the plus strand (C on the coding strand, the reverse complement: PDZD7 is on the minus strand); the first of 4 consecutive G bases (chr10:101,010,481-101,010,484); deleting any one gives the same sequence. VCF-style (leftmost placement, unchanged base first): chr10-101010480-AG-A. GRCh37 (hg19) VCF-style: chr10-102770237-AG-A.
Other names: short protein forms P803fs.
Identifiers: ClinVar variation 3658355 (VCV003658355.2).